The following is an entry in ClinVar:

NM_003560.4(PLA2G6):c.1613G>A (p.Arg538His)

Gene: PLA2G6 (phospholipase A2 group VI; minus strand). Cytogenetic location: 22q13.1.
Variant type: single nucleotide variant.
Coding change: c.1613G>A on transcript NM_003560.4 (MANE Select); coding-DNA position 1613, G replaced by A.
Protein change: p.Arg538His; replaces arginine 538 with histidine.
Molecular consequence: missense variant.
Genome position (GRCh38, 1-based): chr22:38,120,888, C>T on the plus strand (G>A on the coding strand, the complement: PLA2G6 is on the minus strand). VCF-style: chr22-38120888-C-T. GRCh37 (hg19) VCF-style: chr22-38516895-C-T.
Other names: NM_003560.4(PLA2G6):c.1613G>A; p.Arg538His; c.1451G>A, p.Arg484His (NM_001004426.3, NM_001199562.3, NM_001349865.2 and 1 more transcripts); c.1613G>A, p.Arg538His (NM_001349864.2); c.1079G>A, p.Arg360His (NM_001349867.2); c.935G>A, p.Arg312His (NM_001349868.2); c.917G>A, p.Arg306His (NM_001349869.2); short protein forms R538H, R306H, R312H, R484H, R360H.
Identifiers: ClinVar variation 159739 (VCV000159739.18), dbSNP rs535486098, ClinGen allele CA173217.

ClinVar aggregate classification (germline): Pathogenic/Likely pathogenic. Review status: criteria provided, multiple submitters, no conflicts (2 of 4 stars). 8 submissions from 8 submitters: Pathogenic (3); Likely pathogenic (5). Last evaluated 2026-06-10.

Conditions:
PLA2G6-associated neurodegeneration (PLAN). Also called: phospholipase A2-associated neurodegeneration. Identifiers: Orphanet 329303, MedGen CN204472, MONDO:0017998.
PLA2G6-related disorder. Also called: PLA2G6-related condition.
Autosomal recessive Parkinson disease 14. Also called: DYSTONIA-PARKINSONISM, ADULT-ONSET; PARKINSON DISEASE 14. Identifiers: Orphanet 199351, MedGen C2751842, MONDO:0013060, OMIM 612953.
Infantile neuroaxonal dystrophy (NBIA2A). Also called: Infantile neuroaxonal dystrophy 1; NEURODEGENERATION WITH BRAIN IRON ACCUMULATION 2A; SEITELBERGER DISEASE. Identifiers: Orphanet 35069, MedGen C0270724, MONDO:0024457, OMIM 256600.
Neurodegeneration with brain iron accumulation 2B. Also called: aNAD; atypical Neuroaxonal Dystrophy (aNAD); NEUROAXONAL DYSTROPHY, ATYPICAL; NEURODEGENERATION WITH BRAIN IRON ACCUMULATION, PLA2G6-RELATED. Identifiers: Orphanet 35069, MedGen C1857747, MONDO:0012444, OMIM 610217.
Iron accumulation in brain. Identifiers: MedGen C4021076, HP:0012675.

Allele frequency attached by ClinVar (database versions not stated): ExAC 0.00001; gnomAD 0.00001; TOPMed 0.00001; 1000 Genomes Project 30x 0.00016; gnomAD exomes 0.00001; 1000 Genomes Project 0.00020.

Submissions (8):

Greenwood Genetic Center Diagnostic Laboratories, Greenwood Genetic Center
Classification: Likely pathogenic for PLA2G6-related disorder. Last evaluated: 2026-06-10. Review status: criteria provided, single submitter. Criteria: ACMG Guidelines, 2015. Collection method: clinical testing. Allele origin: germline. Affected: yes.
Comment: PM2, PM3_Strong, PM5_Supporting

3billion
Classification: Pathogenic for PLA2G6-related disorder. Last evaluated: 2025-09-30. Review status: criteria provided, single submitter. Criteria: ACMG Guidelines, 2015. Collection method: clinical testing. Allele origin: germline. Affected: yes.
Comment: The variant is observed at an extremely low frequency in the gnomAD v4.1.0 dataset (total allele frequency: <0.001%). Predicted Consequence/Location: Missense variant In silico tool predictions suggest damaging effect of the variant on gene or gene product [REVEL: 0.60 (>=0.6, sensitivity 0.68 and specificity 0.92); 3Cnet: 0.97 (> 0.75, sensitivity 0.96 and precision 0.92)]. The same nucleotide change resulting in the same amino acid change has been previously reported as pathogenic/likely pathogenic with strong evidence (ClinVar ID: VCV000159739 /PMID: 27146152 /3billion dataset). The variant has been reported to be in trans with a pathogenic variant as either compound heterozygous or homozygous in at least one similarly affected unrelated individual (PMID: 27146152, 27196560). The variant has been reported to co-segregate with the disease in at least one similarly affected relative/individual in the same family or similarly affected unrelated families (PMID: 27146152). Different missense changes at the same codon (p.Arg538Cys, p.Arg538Ser) have been reported as pathogenic/likely pathogenic with strong evidence (ClinVar ID: VCV000159738, VCV000809367 /PMID: 16783378). Therefore, this variant is classified as Pathogenic according to the recommendation of ACMG/AMP guideline.

First Genomix Gene Laboratory, Genetic Diagnostics Department
Classification: Pathogenic for Infantile neuroaxonal dystrophy; Neurodegeneration with brain iron accumulation 2B; Autosomal recessive Parkinson disease 14. Last evaluated: 2025-09-18. Review status: criteria provided, single submitter. Criteria: ACMG Guidelines, 2015. Collection method: clinical testing. Allele origin: germline. Inheritance: Autosomal recessive inheritance. Affected: no. Observed: 1 variant allele.

Labcorp Genetics (formerly Invitae), Labcorp
Classification: Pathogenic for Infantile neuroaxonal dystrophy. Last evaluated: 2024-03-15. Review status: criteria provided, single submitter. Criteria: Invitae Variant Classification Sherloc (09022015). Collection method: clinical testing. Allele origin: germline.
Comment: This sequence change replaces arginine, which is basic and polar, with histidine, which is basic and polar, at codon 538 of the PLA2G6 protein (p.Arg538His). This variant is present in population databases (rs535486098, gnomAD 0.006%). This missense change has been observed in individuals with infantile neuroaxonal dystrophy and/or Parkinson disease (PMID: 27146152, 27196560, 32771225). ClinVar contains an entry for this variant (Variation ID: 159739). Advanced modeling of protein sequence and biophysical properties (such as structural, functional, and spatial information, amino acid conservation, physicochemical variation, residue mobility, and thermodynamic stability) performed at Invitae indicates that this missense variant is expected to disrupt PLA2G6 protein function with a positive predictive value of 80%. This variant disrupts the p.Arg538Cys amino acid residue in PLA2G6. Other variant(s) that disrupt this residue have been determined to be pathogenic (PMID: 16783378, 24252552, 32771225; Invitae). This suggests that this residue is clinically significant, and that variants that disrupt this residue are likely to be disease-causing. For these reasons, this variant has been classified as Pathogenic.

Broad Center for Mendelian Genomics, Broad Institute of MIT and Harvard
Classification: Likely pathogenic for PLA2G6-associated neurodegeneration. Last evaluated: 2023-01-24. Review status: criteria provided, single submitter. Criteria: ACMG Guidelines, 2015. Collection method: curation. Allele origin: germline. Inheritance: Autosomal recessive inheritance.
Comment: The p.Arg538His variant in PLA2G6 has been reported in 5 individuals with PLA2G6-associated neurodegeneration (PMID: 27196560, 27146152, 33144682, Agarwal_2020, 32771225), segregated with disease in 2 affected relatives from 2 families (Agarwal_2020) and has been identified in 0.007% (2/30616) of South Asian chromosomes by the Genome Aggregation Database (gnomAD; dbSNP ID: rs535486098). Although this variant has been seen in the general population in a heterozygous state, its frequency is low enough to be consistent with a recessive carrier frequency. This variant has also been reported in ClinVar (Variation ID#: 159739) and has been interpreted as pathogenic or likely pathogenic by Genetic Services Laboratory (University of Chicago), Neuberg Supratech Reference Laboratories Pvt Ltd (Neuberg Centre for Genomic Medicine), GeneDx, and Invitae. Of the 5 affected individuals, 4 of those were homozygotes, which increases the likelihood that the p.Arg538His variant is pathogenic (PMID: 27196560, 27146152, 33144682, Agarwal_2020). Computational prediction tools and conservation analyses do not provide strong support for or against an impact to the protein. The phenotype of an individual homozygous for this variant is highly specific for PLA2G6-associated neurodegeneration based on brain iron accumulation on MRI consistent with disease (PMID: 27196560). In summary, although additional studies are required to fully establish its clinical significance, this variant is likely pathogenic for autosomal recessive PLA2G6-associated neurodegeneration. ACMG/AMP Criteria applied: PM2, PM3, PP1, PP4 (Richards 2015).

GeneDx
Classification: Likely pathogenic. Last evaluated: 2022-08-23. Review status: criteria provided, single submitter. Criteria: GeneDx Variant Classification Process June 2021. Collection method: clinical testing. Allele origin: germline. Affected: yes.
Comment: Not observed at significant frequency in large population cohorts (gnomAD); In silico analysis supports that this missense variant does not alter protein structure/function; This variant is associated with the following publications: (PMID: 27146152, 27196560, 33144682, 32771225)

Genetic Services Laboratory, University of Chicago
Classification: Likely pathogenic for iron accumulation in brain. Last evaluated: 2013-02-08. Review status: criteria provided, single submitter. Criteria: ACMG Guidelines, 2007. Collection method: clinical testing. Allele origin: germline. Inheritance: Autosomal recessive inheritance. Affected: yes.

Neuberg Centre For Genomic Medicine, NCGM
Classification: Likely pathogenic for Neurodegeneration with brain iron accumulation 2B. Review status: criteria provided, single submitter. Criteria: ACMG Guidelines, 2015. Collection method: clinical testing. Allele origin: germline. Affected: yes.
Comment: The missense variant p.R538H in PLA2G6 (NM_003560.4) has been reported previously in individuals with infantile neuroaxonal dystrophy (INAD) (Megahed et al, 2016; Kapoor et al, 2016). It has been submitted to the ClinVar database as Pathogenic. Another missense affecting the same amino acid has also been reported to be disease causing (Morgan T et al, 2006). The p.R538H variant is observed in 2/30,616 (0.0065%) alleles from individuals of South Asian background in gnomAD Exomes and in 1/978 (0.1022%) alleles from individuals of South Asian background in 1000 Genomes. The p.R538H missense variant is predicted to be damaging by both SIFT and PolyPhen2. The arginine residue at codon 538 of PLA2G6 is conserved in all mammalian species. The nucleotide c.1613 in PLA2G6 is predicted conserved by GERP++ and PhyloP across 100 vertebrates. For these reasons, this variant has been classified as Likely Pathogenic.

Literature cited by the submitters: PubMed 27196560 (cited by 3billion and Labcorp Genetics (formerly Invitae), Labcorp); PubMed 27146152 (cited by 3billion and Labcorp Genetics (formerly Invitae), Labcorp); PubMed 16783378 (cited by 3billion and Labcorp Genetics (formerly Invitae), Labcorp); PubMed 32771225 (cited by Labcorp Genetics (formerly Invitae), Labcorp); PubMed 24252552 (cited by Labcorp Genetics (formerly Invitae), Labcorp).